The following is an entry in ClinVar:

NM_020435.4(GJC2):c.916_928dup (p.Ala310fs)

Gene: GJC2 (gap junction protein gamma 2; plus strand). Cytogenetic location: 1q42.13.
Variant type: Duplication.
Coding change: c.916_928dup on transcript NM_020435.4 (MANE Select); coding-DNA positions 916 to 928, 13 bases duplicated (GCCTCCGCCCCCG).
Protein change: p.Ala310fs; shifts the reading frame from alanine 310.
Molecular consequence: frameshift variant.
Genome position (GRCh38, 1-based): chr1:228,158,674-228,158,686, GCCTCCGCCCCCG duplicated; duplicating any 13 consecutive bases within chr1:228,158,668-228,158,686 gives the same sequence; the c. name uses the placement nearest the transcript's 3' end. VCF-style (leftmost placement, unchanged base first): chr1-228158667-C-CCCCCCGGCCTCCG. GRCh37 (hg19) VCF-style: chr1-228346368-C-CCCCCCGGCCTCCG.
Other names: short protein forms A310fs.
Identifiers: ClinVar variation 3336779 (VCV003336779.2).

ClinVar aggregate classification (germline): Likely pathogenic (1 of 4 stars; one submission).

Conditions:
Leukodystrophy, hypomyelinating, 2. Also called: PELIZAEUS-MERZBACHER-LIKE DISEASE, 1. Identifiers: Orphanet 280270, Orphanet 280282, MedGen C1837355, MONDO:0012125, OMIM 608804.

Submission:

Molecular Diagnostics Lab, Nemours Children's Health, Delaware
Classification: Likely pathogenic for Leukodystrophy, hypomyelinating, 2. Last evaluated: 2021-04-16. Review status: criteria provided, single submitter. Criteria: ACMG Guidelines, 2015. Collection method: clinical testing. Allele origin: unknown. Inheritance: Autosomal recessive inheritance. Affected: yes. Observed: 1 compound heterozygote.
Comment: This variant (c.916_928dup, p.Ala310Glyfs*42) predicts a frameshift to a premature termination. It has not been observed in population databases (gnomAD), but has been reported in the literature (PMID 31912665), although no functional studies have been published. It was found in trans with another likely pathogenic variant (c.203A>G, p.Tyr68Cys) in an affected individual.

Literature cited by the submitters: PubMed 31912665.